The following is an entry in ClinVar:

NM_001130987.2(DYSF):c.*53G>A

Gene: DYSF (dysferlin; plus strand). Cytogenetic location: 2p13.2.
Variant type: single nucleotide variant.
Coding change: c.*53G>A on transcript NM_001130987.2 (MANE Select); 53 bases downstream of the stop codon, G replaced by A.
Molecular consequence: 3 prime UTR variant.
Genome position (GRCh38, 1-based): chr2:71,686,545, G>A. VCF-style: chr2-71686545-G-A. GRCh37 (hg19) VCF-style: chr2-71913675-G-A.
Other names: c.*53G>A (NM_001130455.2, NM_001130976.2, NM_001130977.2 and 10 more transcripts).
Identifiers: ClinVar variation 336978 (VCV000336978.8), dbSNP rs114777968, ClinGen allele CA10616122.

ClinVar aggregate classification (germline): Likely benign. Review status: criteria provided, multiple submitters, no conflicts (2 of 4 stars). 2 submissions from 2 submitters: Likely benign (2). Last evaluated 2018-07-15.

Conditions:
Neuromuscular disease caused by qualitative or quantitative defects of dysferlin. Also called: Dysferlinopathy; Qualitative or quantitative defects of dysferlin. Identifiers: Orphanet 207073, MedGen C2931687, MONDO:0016145.

Allele frequency attached by ClinVar (database versions not stated): gnomAD exomes 0.00951; 1000 Genomes Project 0.01637; gnomAD 0.01680 and 0.01775; 1000 Genomes Project 30x 0.01765; ESP Exome Variant Server 0.01905; TOPMed 0.01935.
gnomAD v4.1: 16,557 of 1,607,226 alleles (1%); highest among the groups gnomAD compares: African/African-American, 3.7%; 153 homozygotes.

Submissions (2):

GeneDx
Classification: Likely benign. Last evaluated: 2018-07-15. Review status: criteria provided, single submitter. Criteria: GeneDx Variant Classification Process June 2021. Collection method: clinical testing. Allele origin: germline. Affected: yes.

Illumina Laboratory Services, Illumina
Classification: Likely benign for Qualitative or quantitative defects of dysferlin. Last evaluated: 2018-01-13. Review status: criteria provided, single submitter. Criteria: ICSL Variant Classification Criteria 13 December 2019. Collection method: clinical testing. Allele origin: germline.
Comment: This variant was observed in the ICSL laboratory as part of a predisposition screen in an ostensibly healthy population. It had not been previously curated by ICSL or reported in the Human Gene Mutation Database (HGMD: prior to June 1st, 2018), and was therefore a candidate for classification through an automated scoring system. Utilizing variant allele frequency, disease prevalence and penetrance estimates, and inheritance mode, an automated score was calculated to assess if this variant is too frequent to cause the disease. Based on the score and internal cut-off values, a variant classified as likely benign is not then subjected to further curation. The score for this variant resulted in a classification of likely benign for this disease.